The following is an entry in ClinVar:

ClinVar aggregate classification (germline): Benign/Likely benign. Review status: criteria provided, multiple submitters, no conflicts (2 of 4 stars). 3 submissions from 3 submitters: Benign (1); Likely benign (2). Last evaluated 2025-03-12.

Conditions:
Hereditary cancer-predisposing syndrome. Also called: Neoplastic Syndromes, Hereditary; Hereditary Cancer Syndrome; Hereditary neoplastic syndrome; Tumor predisposition. Identifiers: Orphanet 140162, MedGen C0027672, MeSH D009386, MONDO:0015356.
Pheochromocytoma/paraganglioma syndrome 4. Also called: SDHB-Related Hereditary Paraganglioma-Pheochromocytoma Syndrome (Paragangliomas 4); SDHB-Related Hereditary Paraganglioma-Pheochromocytoma Syndrome; Paragangliomas 4; CAROTID BODY TUMORS AND MULTIPLE EXTRAADRENAL PHEOCHROMOCYTOMAS; PARAGANGLIOMA, FAMILIAL MALIGNANT; PARAGANGLIOMAS, HEREDITARY EXTRAADRENAL. Identifiers: Orphanet 29072, MedGen C1861848, MONDO:0007273, OMIM 115310.
Gastrointestinal stromal tumor. Also called: Gastrointestinal stromal tumor, somatic; Gastrointestinal stroma tumor. Identifiers: Orphanet 44890, MedGen C0238198, MeSH D046152, MONDO:0011719, OMIM 606764, HP:0100723.
Pheochromocytoma. Also called: MAX-Related Hereditary Paraganglioma-Pheochromocytoma Syndrome. Identifiers: Orphanet 29072, MedGen C0031511, MONDO:0008233, OMIM 171300, HP:0002666.

Allele frequency attached by ClinVar (database versions not stated): gnomAD exomes below 0.00001.
gnomAD v4.1: 1 of 1,614,134 alleles (0.000062%); highest among the groups gnomAD compares: Non-Finnish European, 0.000085%; no homozygotes.

Submissions (3):

Myriad Genetics, Inc.
Classification: Benign for Pheochromocytoma/paraganglioma syndrome 4. Last evaluated: 2025-03-12. Review status: criteria provided, single submitter. Criteria: Myriad Autosomal Dominant, Autosomal Recessive and X-Linked Classification Criteria (2023). Collection method: clinical testing. Allele origin: unknown.
Comment: This variant is considered benign. This variant is a silent/synonymous amino acid change and it is not expected to impact splicing.

Ambry Genetics
Classification: Likely benign for Hereditary cancer-predisposing syndrome. Last evaluated: 2024-06-25. Review status: criteria provided, single submitter. Criteria: Ambry Variant Classification Scheme 2023. Collection method: clinical testing. Allele origin: germline.

Labcorp Genetics (formerly Invitae), Labcorp
Classification: Likely benign for Gastrointestinal stromal tumor; Pheochromocytoma/paraganglioma syndrome 4; Pheochromocytoma. Last evaluated: 2018-12-15. Review status: criteria provided, single submitter. Criteria: Invitae Variant Classification Sherloc (09022015). Collection method: clinical testing. Allele origin: germline.

NM_003000.3(SDHB):c.342C>T (p.Thr114=)

Gene: SDHB (succinate dehydrogenase complex iron sulfur subunit B; minus strand). Cytogenetic location: 1p36.13.
Variant type: single nucleotide variant.
Coding change: c.342C>T on transcript NM_003000.3 (MANE Select); coding-DNA position 342, C replaced by T.
Protein change: p.Thr114=; no amino-acid change (threonine 114 retained).
Molecular consequence: synonymous variant.
Genome position (GRCh38, 1-based): chr1:17,028,681, G>A on the plus strand (C>T on the coding strand, the complement: SDHB is on the minus strand). VCF-style: chr1-17028681-G-A. GRCh37 (hg19) VCF-style: chr1-17355176-G-A.
Identifiers: ClinVar variation 792538 (VCV000792538.9), dbSNP rs528599830, ClinGen allele CA18666709.